The following is an entry in ClinVar:

NM_001292063.2(OTOG):c.3930C>T (p.His1310=)

Gene: OTOG (otogelin; plus strand). Cytogenetic location: 11p15.1.
Variant type: single nucleotide variant.
Coding change: c.3930C>T on transcript NM_001292063.2 (MANE Select); coding-DNA position 3930, C replaced by T.
Protein change: p.His1310=; no amino-acid change (histidine 1310 retained).
Molecular consequence: synonymous variant.
Genome position (GRCh38, 1-based): chr11:17,605,909, C>T. VCF-style: chr11-17605909-C-T. GRCh37 (hg19) VCF-style: chr11-17627456-C-T.
Other names: c.3966C>T, p.His1322= (NM_001277269.2).
Identifiers: ClinVar variation 4873890 (VCV004873890.2).

ClinVar aggregate classification (germline): Likely benign (1 of 4 stars; one submission).

gnomAD v4.1: 39 of 1,550,278 alleles (0.0025%); highest among the groups gnomAD compares: Middle Eastern, 0.017%; no homozygotes.

Submission:

CeGaT Center for Human Genetics Tuebingen
Classification: Likely benign. Last evaluated: 2026-06-01. Review status: criteria provided, single submitter. Criteria: CeGaT Center For Human Genetics Tuebingen Variant Classification Criteria Version 2. Collection method: clinical testing. Allele origin: germline. Affected: yes. Observed: 1 variant allele.
Comment: OTOG: BP4, BP7